The following is an entry in ClinVar:

NM_000718.4(CACNA1B):c.6328C>T (p.Arg2110Trp)

Gene: CACNA1B (calcium voltage-gated channel subunit alpha1 B; plus strand). Cytogenetic location: 9q34.3.
Variant type: single nucleotide variant.
Coding change: c.6328C>T on transcript NM_000718.4 (MANE Select); coding-DNA position 6328, C replaced by T.
Protein change: p.Arg2110Trp; replaces arginine 2110 with tryptophan.
Molecular consequence: missense variant.
Genome position (GRCh38, 1-based): chr9:138,120,720, C>T. VCF-style: chr9-138120720-C-T. GRCh37 (hg19) VCF-style: chr9-141015172-C-T.
Other names: c.6328C>T, p.Arg2110Trp (NM_001243812.2); short protein forms R2110W.
Identifiers: ClinVar variation 2038740 (VCV002038740.1), dbSNP rs201469673, ClinGen allele CA5377690.

ClinVar aggregate classification (germline): Uncertain significance (1 of 4 stars; one submission).

Allele frequency attached by ClinVar (database versions not stated): gnomAD 0.00007; TOPMed 0.00012; 1000 Genomes Project 30x 0.00016; ESP Exome Variant Server 0.00018; 1000 Genomes Project 0.00020.
gnomAD v4.1: 322 of 1,534,120 alleles (0.021%); highest among the groups gnomAD compares: Non-Finnish European, 0.027%; no homozygotes.

Submission:

Labcorp Genetics (formerly Invitae), Labcorp
Classification: Uncertain significance. Last evaluated: 2022-09-19. Review status: criteria provided, single submitter. Criteria: Invitae Variant Classification Sherloc (09022015). Collection method: clinical testing. Allele origin: germline.
Comment: This sequence change replaces arginine, which is basic and polar, with tryptophan, which is neutral and slightly polar, at codon 2110 of the CACNA1B protein (p.Arg2110Trp). This variant is present in population databases (rs201469673, gnomAD 0.01%). This variant has not been reported in the literature in individuals affected with CACNA1B-related conditions. Advanced modeling of protein sequence and biophysical properties (such as structural, functional, and spatial information, amino acid conservation, physicochemical variation, residue mobility, and thermodynamic stability) performed at Invitae indicates that this missense variant is expected to disrupt CACNA1B protein function. In summary, the available evidence is currently insufficient to determine the role of this variant in disease. Therefore, it has been classified as a Variant of Uncertain Significance.